The following is an entry in ClinVar:

ClinVar aggregate classification (germline): Likely pathogenic (1 of 4 stars; one submission).

Submission:

Labcorp Genetics (formerly Invitae), Labcorp
Classification: Likely pathogenic. Last evaluated: 2022-08-31. Review status: criteria provided, single submitter. Criteria: Invitae Variant Classification Sherloc (09022015). Collection method: clinical testing. Allele origin: germline.
Comment: In summary, the currently available evidence indicates that the variant is pathogenic, but additional data are needed to prove that conclusively. Therefore, this variant has been classified as Likely Pathogenic. This variant disrupts the p.Cys292 amino acid residue in COMP. Other variant(s) that disrupt this residue have been determined to be pathogenic (PMID: 10405447, 21965141, 30138938; Invitae). This suggests that this residue is clinically significant, and that variants that disrupt this residue are likely to be disease-causing. Advanced modeling of protein sequence and biophysical properties (such as structural, functional, and spatial information, amino acid conservation, physicochemical variation, residue mobility, and thermodynamic stability) performed at Invitae indicates that this missense variant is expected to disrupt COMP protein function. ClinVar contains an entry for this variant (Variation ID: 1046684). This missense change has been observed in individual(s) with clinical features of pseudoachondroplasia (Invitae). This variant is not present in population databases (gnomAD no frequency). This sequence change replaces cysteine, which is neutral and slightly polar, with tyrosine, which is neutral and polar, at codon 292 of the COMP protein (p.Cys292Tyr).

Literature cited by the submitters: PubMed 10405447; PubMed 21965141; PubMed 30138938.

NM_000095.3(COMP):c.875G>A (p.Cys292Tyr)

Gene: COMP (cartilage oligomeric matrix protein; minus strand). Cytogenetic location: 19p13.11.
Variant type: single nucleotide variant.
Coding change: c.875G>A on transcript NM_000095.3 (MANE Select); coding-DNA position 875, G replaced by A.
Protein change: p.Cys292Tyr; replaces cysteine 292 with tyrosine.
Molecular consequence: missense variant.
Genome position (GRCh38, 1-based): chr19:18,788,312, C>T on the plus strand (G>A on the coding strand, the complement: COMP is on the minus strand). VCF-style: chr19-18788312-C-T. GRCh37 (hg19) VCF-style: chr19-18899121-C-T.
Other names: short protein forms C292Y.
Identifiers: ClinVar variation 1046684 (VCV001046684.10), dbSNP rs886041607, ClinGen allele CA404891816.